The following is an entry in ClinVar:

NM_173689.7(CRB2):c.1529C>T (p.Pro510Leu)

Gene: CRB2 (crumbs cell polarity complex component 2; plus strand). Cytogenetic location: 9q33.3.
Variant type: single nucleotide variant.
Coding change: c.1529C>T on transcript NM_173689.7 (MANE Select); coding-DNA position 1529, C replaced by T.
Protein change: p.Pro510Leu; replaces proline 510 with leucine.
Molecular consequence: missense variant. On other transcripts: non-coding transcript variant (1).
Genome position (GRCh38, 1-based): chr9:123,370,582, C>T. VCF-style: chr9-123370582-C-T. GRCh37 (hg19) VCF-style: chr9-126132861-C-T.
Other names: c.1529C>T (NM_173689.5); short protein forms P510L.
Identifiers: ClinVar variation 1706306 (VCV001706306.4), dbSNP rs373359063, ClinGen allele CA5231984.

ClinVar aggregate classification (germline): Uncertain significance. Review status: criteria provided, multiple submitters, no conflicts (2 of 4 stars). 3 submissions from 3 submitters: Uncertain significance (3). Last evaluated 2024-08-14.

Conditions:
Inborn genetic diseases. Identifiers: MedGen C0950123, MeSH D030342.

Allele frequency attached by ClinVar (database versions not stated): TOPMed 0.00003.
gnomAD v4.1: 89 of 1,613,148 alleles (0.0055%); highest among the groups gnomAD compares: South Asian, 0.013%; no homozygotes.

Submissions (3):

Ambry Genetics
Classification: Uncertain significance for Inborn genetic diseases. Last evaluated: 2024-08-14. Review status: criteria provided, single submitter. Criteria: Ambry Variant Classification Scheme 2023. Collection method: clinical testing. Allele origin: germline.

Blueprint Genetics
Classification: Uncertain significance. Last evaluated: 2024-03-26. Review status: criteria provided, single submitter. Criteria: ACMG Guidelines, 2015. Collection method: clinical testing. Allele origin: germline.

GeneDx
Classification: Uncertain significance. Last evaluated: 2022-03-14. Review status: criteria provided, single submitter. Criteria: GeneDx Variant Classification Process June 2021. Collection method: clinical testing. Allele origin: germline. Affected: yes.
Comment: In silico analysis supports that this missense variant has a deleterious effect on protein structure/function; Has not been previously published as pathogenic or benign to our knowledge